The following is an entry in ClinVar:

NM_004285.4(H6PD):c.610C>T (p.His204Tyr)

Gene: H6PD (hexose-6-phosphate dehydrogenase/glucose 1-dehydrogenase; plus strand). Cytogenetic location: 1p36.22.
Variant type: single nucleotide variant.
Coding change: c.610C>T on transcript NM_004285.4 (MANE Select); coding-DNA position 610, C replaced by T.
Protein change: p.His204Tyr; replaces histidine 204 with tyrosine.
Molecular consequence: missense variant.
Genome position (GRCh38, 1-based): chr1:9,245,544, C>T. VCF-style: chr1-9245544-C-T. GRCh37 (hg19) VCF-style: chr1-9305603-C-T.
Other names: c.643C>T, p.His215Tyr (NM_001282587.2); short protein forms H204Y, H215Y.
Identifiers: ClinVar variation 3523783 (VCV003523783.1).

ClinVar aggregate classification (germline): Uncertain significance (1 of 4 stars; one submission).

Conditions:
Inborn genetic diseases. Identifiers: MedGen C0950123, MeSH D030342.

gnomAD v4.1: 5 of 1,614,026 alleles (0.00031%); highest among the groups gnomAD compares: African/African-American, 0.0013%; no homozygotes.

Submission:

Ambry Genetics
Classification: Uncertain significance for Inborn genetic diseases. Last evaluated: 2024-11-15. Review status: criteria provided, single submitter. Criteria: Ambry Variant Classification Scheme 2023. Collection method: clinical testing. Allele origin: germline.
Comment: The c.610C>T (p.H204Y) alteration is located in exon 2 (coding exon 1) of the H6PD gene. This alteration results from a C to T substitution at nucleotide position 610, causing the histidine (H) at amino acid position 204 to be replaced by a tyrosine (Y). Based on data from gnomAD, the T allele has an overall frequency of 0.003% (1/31386) total alleles studied. The highest observed frequency was 0.007% (1/15418) of European (non-Finnish) alleles. This amino acid position is highly conserved in available vertebrate species. This alteration is predicted to be deleterious by in silico analysis. Based on insufficient or conflicting evidence, the clinical significance of this alteration remains unclear.